The following is an entry in ClinVar:

NM_001013838.3(CARMIL2):c.2597G>C (p.Arg866Pro)

Gene: CARMIL2 (capping protein regulator and myosin 1 linker 2; plus strand). Cytogenetic location: 16q22.1.
Variant type: single nucleotide variant.
Coding change: c.2597G>C on transcript NM_001013838.3 (MANE Select); coding-DNA position 2597, G replaced by C.
Protein change: p.Arg866Pro; replaces arginine 866 with proline.
Molecular consequence: missense variant.
Genome position (GRCh38, 1-based): chr16:67,651,929, G>C. VCF-style: chr16-67651929-G-C. GRCh37 (hg19) VCF-style: chr16-67685832-G-C.
Other names: c.2489G>C, p.Arg830Pro (NM_001317026.3); short protein forms R866P, R830P.
Identifiers: ClinVar variation 2087683 (VCV002087683.4), dbSNP rs140263068, ClinGen allele CA396341889.

ClinVar aggregate classification (germline): Uncertain significance (1 of 4 stars; one submission).

Submission:

Labcorp Genetics (formerly Invitae), Labcorp
Classification: Uncertain significance. Last evaluated: 2022-01-18. Review status: criteria provided, single submitter. Criteria: Invitae Variant Classification Sherloc (09022015). Collection method: clinical testing. Allele origin: germline.
Comment: Algorithms developed to predict the effect of missense changes on protein structure and function are either unavailable or do not agree on the potential impact of this missense change (SIFT: "Deleterious"; PolyPhen-2: "Possibly Damaging"; Align-GVGD: "Class C0"). In summary, the available evidence is currently insufficient to determine the role of this variant in disease. Therefore, it has been classified as a Variant of Uncertain Significance. This variant has not been reported in the literature in individuals affected with CARMIL2-related conditions. This sequence change replaces arginine, which is basic and polar, with proline, which is neutral and non-polar, at codon 866 of the CARMIL2 protein (p.Arg866Pro). This variant is not present in population databases (gnomAD no frequency).